The following is an entry in ClinVar:

NM_001271.4(CHD2):c.5136_5137del (p.His1712fs)

Gene: CHD2 (chromodomain helicase DNA binding protein 2; plus strand). Cytogenetic location: 15q26.1.
Variant type: Microsatellite.
Coding change: c.5136_5137del on transcript NM_001271.4 (MANE Select); coding-DNA positions 5136 to 5137, 2 bases deleted (CA; older notation c.5136_5137delCA).
Protein change: p.His1712fs; shifts the reading frame from histidine 1712.
Molecular consequence: frameshift variant.
Genome position (GRCh38, 1-based): chr15:93,020,241-93,020,242, CA deleted; deleting any 2 consecutive bases within chr15:93,020,238-93,020,242 gives the same sequence; the c. name uses the placement nearest the transcript's 3' end. VCF-style (leftmost placement, unchanged base first): chr15-93020237-GAC-G. GRCh37 (hg19) VCF-style: chr15-93563467-GAC-G.
Other names: short protein forms H1712fs.
Identifiers: ClinVar variation 859971 (VCV000859971.8), dbSNP rs2054516766, ClinGen allele CA916083448.

ClinVar aggregate classification (germline): Uncertain significance (1 of 4 stars; one submission).

Conditions:
Developmental and epileptic encephalopathy 94 (DEE94). Also called: Epileptic encephalopathy, childhood-onset; CHD2-Related Neurodevelopmental Disorders. Identifiers: Orphanet 1942, Orphanet 2382, MedGen C3809278, MONDO:0014150, OMIM 615369.

Submission:

Labcorp Genetics (formerly Invitae), Labcorp
Classification: Uncertain significance for Developmental and epileptic encephalopathy 94. Last evaluated: 2022-07-05. Review status: criteria provided, single submitter. Criteria: Invitae Variant Classification Sherloc (09022015). Collection method: clinical testing. Allele origin: germline.
Comment: This sequence change creates a premature translational stop signal (p.His1712Glnfs*5) in the CHD2 gene. While this is not anticipated to result in nonsense mediated decay, it is expected to disrupt the last 117 amino acid(s) of the CHD2 protein. This variant is not present in population databases (gnomAD no frequency). This variant has not been reported in the literature in individuals affected with CHD2-related conditions. ClinVar contains an entry for this variant (Variation ID: 859971). Experimental studies and prediction algorithms are not available or were not evaluated, and the functional significance of this variant is currently unknown. In summary, the available evidence is currently insufficient to determine the role of this variant in disease. Therefore, it has been classified as a Variant of Uncertain Significance.